The following is an entry in ClinVar:

NM_001457.4(FLNB):c.6231C>T (p.Asp2077=)

Gene: FLNB (filamin B; plus strand). Cytogenetic location: 3p14.3.
Variant type: single nucleotide variant.
Coding change: c.6231C>T on transcript NM_001457.4 (MANE Select); coding-DNA position 6231, C replaced by T.
Protein change: p.Asp2077=; no amino-acid change (aspartic acid 2077 retained).
Molecular consequence: synonymous variant.
Genome position (GRCh38, 1-based): chr3:58,149,989, C>T. VCF-style: chr3-58149989-C-T. GRCh37 (hg19) VCF-style: chr3-58135716-C-T.
Other names: c.6324C>T, p.Asp2108= (NM_001164317.2); c.6198C>T, p.Asp2066= (NM_001164318.2); c.6159C>T, p.Asp2053= (NM_001164319.2).
Identifiers: ClinVar variation 288905 (VCV000288905.70), dbSNP rs145280904, ClinGen allele CA2469280.
Genomic context (GRCh38, chr3:58,149,989, plus strand): 5'-CAAAGTCTCCTACTTCCCTACCGTGCCTGGGGTTTATATCGTCTCCACCAAATTCGCTGA[C>T]GAGCACGTGCCTGGTATGTGCATTCCATTCCCCTCCAGGTGGGATGCTTGGGTTTTCTGT-3'
Protein context (NP_001448.2, residues 2067-2087): GVYIVSTKFA[Asp2077=]EHVPGSPFTV

ClinVar aggregate classification (germline): Benign/Likely benign. Review status: criteria provided, multiple submitters, no conflicts (2 of 4 stars). 12 submissions from 12 submitters: Benign (2); Likely benign (7). 3 of the submissions do not count toward it. Last evaluated 2026-07-01.

Conditions:
FLNB-Related Spectrum Disorders.
Connective tissue disorder. Also called: Connective tissue disease. Identifiers: MedGen C0009782, MONDO:0003900.
FLNB-related disorder. Also called: FLNB-related condition; FLNB-related disorders. Identifiers: MedGen CN381095.

Allele frequency attached by ClinVar (database versions not stated): 1000 Genomes Project 30x 0.00172; gnomAD 0.00184 and 0.00201; 1000 Genomes Project 0.00200; TOPMed 0.00206; ESP Exome Variant Server 0.00231; gnomAD exomes 0.00257 and 0.00261; ExAC 0.00265.
gnomAD v4.1: 4,143 of 1,614,268 alleles (0.26%); highest among the groups gnomAD compares: Middle Eastern, 1.6%; 14 homozygotes.

Submissions (12):

CeGaT Center for Human Genetics Tuebingen
Classification: Likely benign. Last evaluated: 2026-07-01. Review status: criteria provided, single submitter. Criteria: CeGaT Center For Human Genetics Tuebingen Variant Classification Criteria Version 2. Collection method: clinical testing. Allele origin: germline. Affected: yes. Observed: 19 variant alleles.
Comment: FLNB: BP4, BP7

Labcorp Genetics (formerly Invitae), Labcorp
Classification: Benign. Last evaluated: 2026-02-04. Review status: criteria provided, single submitter. Criteria: Invitae Variant Classification Sherloc (09022015). Collection method: clinical testing. Allele origin: germline.

Blueprint Genetics
Classification: Likely benign. Last evaluated: 2024-11-08. Review status: criteria provided, single submitter. Criteria: ACMG Guidelines, 2015. Collection method: clinical testing. Allele origin: germline.

Genome Diagnostics Laboratory, The Hospital for Sick Children
Classification: Likely benign for Connective tissue disorder. Last evaluated: 2022-01-28. Review status: criteria provided, single submitter. Criteria: ACMG Guidelines, 2015. Collection method: clinical testing. Allele origin: germline.

ARUP Laboratories, Molecular Genetics and Genomics, ARUP Laboratories
Classification: Likely benign. Last evaluated: 2020-07-06. Review status: criteria provided, single submitter. Criteria: ARUP Molecular Germline Variant Investigation Process. Collection method: clinical testing. Allele origin: germline.

Illumina Laboratory Services, Illumina
Classification: Likely benign for FLNB-Related Spectrum Disorders. Last evaluated: 2018-01-13. Review status: criteria provided, single submitter. Criteria: ICSL Variant Classification Criteria 13 December 2019. Collection method: clinical testing. Allele origin: germline.
Comment: This variant was observed in the ICSL laboratory as part of a predisposition screen in an ostensibly healthy population. It had not been previously curated by ICSL or reported in the Human Gene Mutation Database (HGMD: prior to June 1st, 2018), and was therefore a candidate for classification through an automated scoring system. Utilizing variant allele frequency, disease prevalence and penetrance estimates, and inheritance mode, an automated score was calculated to assess if this variant is too frequent to cause the disease. Based on the score and internal cut-off values, a variant classified as likely benign is not then subjected to further curation. The score for this variant resulted in a classification of likely benign for this disease.

GeneDx
Classification: Benign. Last evaluated: 2017-12-18. Review status: criteria provided, single submitter. Criteria: GeneDx Variant Classification (06012015). Collection method: clinical testing. Allele origin: germline. Affected: yes.
Comment: This variant is considered likely benign or benign based on one or more of the following criteria: it is a conservative change, it occurs at a poorly conserved position in the protein, it is predicted to be benign by multiple in silico algorithms, and/or has population frequency not consistent with disease.

Eurofins Ntd Llc (ga)
Classification: Likely benign. Last evaluated: 2016-07-07. Review status: criteria provided, single submitter. Criteria: EGL Classification Definitions 2015. Collection method: clinical testing. Allele origin: germline. Observed: 1 variant allele, 1 heterozygote.

Breakthrough Genomics
Classification: Likely benign. Review status: criteria provided, single submitter. Criteria: ACMG Guidelines, 2015. Collection method: not provided. Allele origin: germline. Inheritance: Autosomal recessive inheritance. Affected: yes.

PreventionGenetics, part of Exact Sciences
Classification: Likely benign for FLNB-related condition. Last evaluated: 2019-03-15. Review status: no assertion criteria provided. Collection method: clinical testing. Allele origin: germline. Not counted in ClinVar's aggregate classification.
Comment: This variant is classified as likely benign based on ACMG/AMP sequence variant interpretation guidelines (Richards et al. 2015 PMID: 25741868, with internal and published modifications).

Clinical Genetics DNA and cytogenetics Diagnostics Lab, Erasmus MC, Erasmus Medical Center
Classification: Likely benign. Review status: no assertion criteria provided. Collection method: clinical testing. Allele origin: germline. Affected: yes. Study: VKGL Data-share Consensus. Not counted in ClinVar's aggregate classification.

Genome Diagnostics Laboratory, Amsterdam University Medical Center
Classification: Likely benign. Review status: no assertion criteria provided. Collection method: clinical testing. Allele origin: germline. Affected: yes. Study: VKGL Data-share Consensus. Not counted in ClinVar's aggregate classification.